The following is an entry in ClinVar:

NM_003106.4(SOX2):c.621C>A (p.Tyr207Ter)

Genes: SOX2 (SRY-box transcription factor 2; plus strand), SOX2-OT (SOX2 overlapping transcript; plus strand). Cytogenetic location: 3q26.33.
Variant type: single nucleotide variant.
Coding change: c.621C>A on transcript NM_003106.4 (MANE Select); coding-DNA position 621, C replaced by A.
Protein change: p.Tyr207Ter; replaces tyrosine 207 with a stop codon.
Molecular consequence: nonsense.
Genome position (GRCh38, 1-based): chr3:181,712,981, C>A. VCF-style: chr3-181712981-C-A. GRCh37 (hg19) VCF-style: chr3-181430769-C-A.
Other names: short protein forms Y207*.
Identifiers: ClinVar variation 2582377 (VCV002582377.3), dbSNP rs2108522980, ClinGen allele CA355474286.

ClinVar aggregate classification (germline): Pathogenic/Likely pathogenic. Review status: criteria provided, multiple submitters, no conflicts (2 of 4 stars). 2 submissions from 2 submitters: Pathogenic (1); Likely pathogenic (1). Last evaluated 2025-05-05.

Conditions:
Anophthalmia/microphthalmia-esophageal atresia syndrome (MCOPS3). Also called: MICROPHTHALMIA AND ESOPHAGEAL ATRESIA SYNDROME; AEG SYNDROME; SOX2 Disorder. Identifiers: Orphanet 77298, MedGen C1859773, MONDO:0008799, OMIM 206900.

Submissions (2):

GeneDx
Classification: Likely pathogenic. Last evaluated: 2025-05-05. Review status: criteria provided, single submitter. Criteria: GeneDx Variant Classification Process June 2021. Collection method: clinical testing. Allele origin: germline. Affected: yes.
Comment: Nonsense variant predicted to result in protein truncation, as the last 111 amino acids are lost, and other loss-of-function variants have been reported downstream in HGMD; Not observed at significant frequency in large population cohorts (gnomAD); Has not been previously published as pathogenic or benign to our knowledge

Baylor Genetics
Classification: Pathogenic for Anophthalmia/microphthalmia-esophageal atresia syndrome. Last evaluated: 2023-10-30. Review status: criteria provided, single submitter. Criteria: ACMG Guidelines, 2015. Collection method: clinical testing. Allele origin: unknown.